The following is an entry in ClinVar:

NM_012330.4(KAT6B):c.3249GGA[1] (p.Glu1089del)

Gene: KAT6B (lysine acetyltransferase 6B; plus strand). Cytogenetic location: 10q22.2.
Variant type: Microsatellite.
Coding change: c.3249GGA[1] on transcript NM_012330.4 (MANE Select); one copy of the 3-base unit GGA starting at c.3249; the reference has two copies in a row; one copy, 3 bases deleted.
Protein change: p.Glu1089del; deletes glutamic acid 1089.
Molecular consequence: inframe deletion.
Genome position (GRCh38, 1-based): chr10:75,022,111-75,022,113, GGA deleted; deleting any 3 consecutive bases within chr10:75,022,106-75,022,113 gives the same sequence; the position shown is the placement nearest the transcript's 3' end. VCF-style (leftmost placement, unchanged base first): chr10-75022105-AGAG-A. GRCh37 (hg19) VCF-style: chr10-76781863-AGAG-A.
Other names: c.3252_3254delGGA (NM_012330.3); c.2700GGA[1], p.Glu906del (NM_001256468.2, NM_001370138.1); c.2373GGA[1], p.Glu797del (NM_001256469.2, NM_001370139.1, NM_001370140.1 and 2 more transcripts); c.2211GGA[1], p.Glu743del (NM_001370132.1); c.1560GGA[1], p.Glu526del (NM_001370133.1); c.1164GGA[1], p.Glu394del (NM_001370134.1); c.906GGA[1], p.Glu308del (NM_001370135.1); c.3249GGA[1], p.Glu1089del (NM_001370136.1, NM_001370137.1); and 1 more; short protein forms E1089del, E797del, E308del, E526del, E743del, E734del, E394del, E906del.
Identifiers: ClinVar variation 515823 (VCV000515823.21), dbSNP rs555280405, ClinGen allele CA5564764.

ClinVar aggregate classification (germline): Benign/Likely benign. Review status: criteria provided, multiple submitters, no conflicts (2 of 4 stars). 4 submissions from 4 submitters: Benign (2); Likely benign (2). Last evaluated 2026-01-24.

Conditions:
Genitopatellar syndrome (GTPTS). Also called: Genitopatellar syndrome (GPS); ABSENT PATELLAE, SCROTAL HYPOPLASIA, RENAL ANOMALIES, FACIAL DYSMORPHISM, AND MENTAL RETARDATION. Identifiers: Orphanet 85201, MedGen C1853566, MONDO:0011640, OMIM 606170.

Submissions (4):

Labcorp Genetics (formerly Invitae), Labcorp
Classification: Likely benign for Genitopatellar syndrome. Last evaluated: 2026-01-24. Review status: criteria provided, single submitter. Criteria: Invitae Variant Classification Sherloc (09022015). Collection method: clinical testing. Allele origin: germline.

CeGaT Center for Human Genetics Tuebingen
Classification: Benign. Last evaluated: 2025-10-01. Review status: criteria provided, single submitter. Criteria: CeGaT Center For Human Genetics Tuebingen Variant Classification Criteria Version 2. Collection method: clinical testing. Allele origin: germline. Affected: yes. Observed: 2 variant alleles.
Comment: KAT6B: BS1, BS2

Blueprint Genetics
Classification: Likely benign. Last evaluated: 2024-10-18. Review status: criteria provided, single submitter. Criteria: ACMG Guidelines, 2015. Collection method: clinical testing. Allele origin: germline.

GeneDx
Classification: Benign. Last evaluated: 2019-10-14. Review status: criteria provided, single submitter. Criteria: GeneDx Variant Classification Process June 2021. Collection method: clinical testing. Allele origin: germline. Affected: yes.